The following is an entry in ClinVar:

NM_005653.5(TFCP2):c.352-10A>T

Gene: TFCP2 (transcription factor CP2; minus strand). Cytogenetic location: 12q13.13.
Variant type: single nucleotide variant.
Coding change: c.352-10A>T on transcript NM_005653.5 (MANE Select); 10 bases into the intron before coding-DNA position 352, A replaced by T.
Molecular consequence: intron variant.
Genome position (GRCh38, 1-based): chr12:51,116,430, T>A on the plus strand (A>T on the coding strand, the complement: TFCP2 is on the minus strand). VCF-style: chr12-51116430-T-A. GRCh37 (hg19) VCF-style: chr12-51510213-T-A.
Other names: NC_000012.11:g.51510213T>A; c.352-10A>T (NM_001173453.2, NM_001173452.2).
Identifiers: ClinVar variation 725865 (VCV000725865.6), dbSNP rs77417603, ClinGen allele CA6567977.

ClinVar aggregate classification (germline): Benign. Review status: criteria provided, single submitter (1 of 4 stars). 2 submissions from 2 submitters: Benign (1). 1 of the submissions does not count toward it. Last evaluated 2018-09-19.

Conditions:
TFCP2-related disorder. Also called: TFCP2-related condition.

Allele frequency attached by ClinVar (database versions not stated): gnomAD 0.00071 and 0.00095; TOPMed 0.00131; ExAC 0.00200; gnomAD exomes 0.00219; 1000 Genomes Project 30x 0.00468; 1000 Genomes Project 0.00479.
gnomAD v4.1: 1,198 of 1,499,466 alleles (0.08%); highest among the groups gnomAD compares: East Asian, 2.4%; 19 homozygotes.

Submissions (5):

Labcorp Genetics (formerly Invitae), Labcorp
Classification: Benign. Last evaluated: 2018-09-19. Review status: criteria provided, single submitter. Criteria: Invitae Variant Classification Sherloc (09022015). Collection method: clinical testing. Allele origin: germline.

PreventionGenetics, part of Exact Sciences
Classification: Benign for TFCP2-related condition. Last evaluated: 2019-04-16. Review status: no assertion criteria provided. Collection method: clinical testing. Allele origin: germline. Not counted in ClinVar's aggregate classification.
Comment: This variant is classified as benign based on ACMG/AMP sequence variant interpretation guidelines (Richards et al. 2015 PMID: 25741868, with internal and published modifications).

Dr. Peter K. Rogan Lab, Western University
No classification provided (evidence only). Condition: Gastric cancer. Review status: no classification provided. Collection method: in vitro. Allele origin: not applicable. Functional consequence: retained intron. Not counted in ClinVar's aggregate classification.

Dr. Peter K. Rogan Lab, Western University
No classification provided (evidence only). Condition: Malignant tumor of esophagus. Review status: no classification provided. Collection method: in vitro. Allele origin: not applicable. Functional consequence: retained intron. Not counted in ClinVar's aggregate classification.

Dr. Peter K. Rogan Lab, Western University
No classification provided (evidence only). Condition: Malignant tumor of esophagus. Review status: no classification provided. Collection method: in vitro. Allele origin: not applicable. Functional consequence: retained intron. Not counted in ClinVar's aggregate classification.